The following is an entry in ClinVar:

ClinVar aggregate classification (germline): Benign (1 of 4 stars; one submission).

Submission:

Unidad de Genómica Garrahan, Hospital de Pediatría Garrahan
Classification: Benign. Last evaluated: 2023-11-14. Review status: criteria provided, single submitter. Criteria: ACMG Guidelines, 2015. Collection method: clinical testing. Allele origin: germline. Affected: no. Observed: 23 variant alleles.
Comment: This variant is classified as Benign based on local population frequency. This variant was detected in 24% of patients studied by a panel of primary immunodeficiencies. Number of patients: 23. Only high quality variants are reported.

NM_002800.5(PSMB9):c.*56_*57insAT

Gene: PSMB9 (proteasome 20S subunit beta 9; plus strand). Cytogenetic location: 6p21.32.
Variant type: Duplication.
Coding change: c.*56_*57insAT on transcript NM_002800.5 (MANE Select); 56 bases downstream of the stop codon through 57 bases downstream of the stop codon, AT inserted.
Molecular consequence: 3 prime UTR variant.
Genome position: GRCh38 VCF-style: chr6-32859587-C-CTA. GRCh37 (hg19) VCF-style: chr6-32827364-C-CTA.
Identifiers: ClinVar variation 2637886 (VCV002637886.2), dbSNP rs9282320, ClinGen allele CA137001966.
Genomic context (GRCh38, chr6:32,859,587, plus strand): 5'-GAGTGAACCTTCCCCAGACTTCTCTTTCTTATTTTGTAATAAACTCTCTAGGGCCAAAAC[C>CTA]TGGTATGGTCATTGGGAAATGAGTGCTCAGGGAGATGGAGCTTAGGGGAGGTGGGTGCTT-3'